The following is an entry in ClinVar:

NM_014363.6(SACS):c.7384C>T (p.Pro2462Ser)

Gene: SACS (sacsin molecular chaperone; minus strand). Cytogenetic location: 13q12.12.
Variant type: single nucleotide variant.
Coding change: c.7384C>T on transcript NM_014363.6 (MANE Select); coding-DNA position 7384, C replaced by T.
Protein change: p.Pro2462Ser; replaces proline 2462 with serine.
Molecular consequence: missense variant.
Genome position (GRCh38, 1-based): chr13:23,336,492, G>A on the plus strand (C>T on the coding strand, the complement: SACS is on the minus strand). VCF-style: chr13-23336492-G-A. GRCh37 (hg19) VCF-style: chr13-23910631-G-A.
Other names: c.6943C>T, p.Pro2315Ser (NM_001278055.2); short protein forms P2462S, P2315S.
Identifiers: ClinVar variation 448218 (VCV000448218.22), dbSNP rs78239814, ClinGen allele CA6910916.

ClinVar aggregate classification (germline): Benign/Likely benign. Review status: criteria provided, multiple submitters, no conflicts (2 of 4 stars). 8 submissions from 8 submitters: Benign (3); Likely benign (3). 2 of the submissions do not count toward it. Last evaluated 2026-01-26.

Conditions:
SACS-related disorder. Also called: SACS-related condition.
Spastic paraplegia. Identifiers: MedGen C0037772, HP:0001258.
Charlevoix-Saguenay spastic ataxia (SACS). Also called: AUTOSOMAL RECESSIVE SPASTIC ATAXIA OF CHARLEVOIX-SAGUENAY; SPASTIC ATAXIA 6, AUTOSOMAL RECESSIVE; Spastic ataxia of Charlevoix-Saguenay. Identifiers: Orphanet 98, MedGen C1849140, MONDO:0010041, OMIM 270550.

Allele frequency attached by ClinVar (database versions not stated): gnomAD exomes 0.00048 and 0.00114; ExAC 0.00157; gnomAD 0.00495 and 0.00525; ESP Exome Variant Server 0.00531; TOPMed 0.00536; 1000 Genomes Project 0.00619; 1000 Genomes Project 30x 0.00656.
gnomAD v4.1: 1,476 of 1,613,916 alleles (0.091%); highest among the groups gnomAD compares: African/African-American, 1.8%; 13 homozygotes.

Submissions (8):

Labcorp Genetics (formerly Invitae), Labcorp
Classification: Benign for Spastic paraplegia. Last evaluated: 2026-01-26. Review status: criteria provided, single submitter. Criteria: Invitae Variant Classification Sherloc (09022015). Collection method: clinical testing. Allele origin: germline.

PreventionGenetics, part of Exact Sciences
Classification: Benign for SACS-related condition. Last evaluated: 2024-11-15. Review status: criteria provided, single submitter. Criteria: ACMG Guidelines, 2015. Collection method: clinical testing. Allele origin: germline.
Comment: This variant is classified as benign based on ACMG/AMP sequence variant interpretation guidelines (Richards et al. 2015 PMID: 25741868, with internal and published modifications).

Blueprint Genetics
Classification: Likely benign. Last evaluated: 2024-10-09. Review status: criteria provided, single submitter. Criteria: ACMG Guidelines, 2015. Collection method: clinical testing. Allele origin: germline.

GeneDx
Classification: Likely benign. Last evaluated: 2019-10-20. Review status: criteria provided, single submitter. Criteria: GeneDx Variant Classification Process June 2021. Collection method: clinical testing. Allele origin: germline. Affected: yes.

Athena Diagnostics
Classification: Benign. Last evaluated: 2018-10-30. Review status: criteria provided, single submitter. Criteria: Athena Diagnostics Criteria. Collection method: clinical testing. Allele origin: germline.

Breakthrough Genomics
Classification: Likely benign. Review status: criteria provided, single submitter. Criteria: ACMG Guidelines, 2015. Collection method: not provided. Allele origin: germline. Inheritance: Autosomal recessive inheritance. Affected: yes.

Natera, Inc.
Classification: Likely benign for Charlevoix-Saguenay type spastic ataxia. Last evaluated: 2020-06-09. Review status: no assertion criteria provided. Collection method: clinical testing. Allele origin: germline. Not counted in ClinVar's aggregate classification.

Mayo Clinic Laboratories, Mayo Clinic
Classification: Uncertain significance. Last evaluated: 2016-02-29. Review status: no assertion criteria provided. Collection method: clinical testing. Allele origin: unknown. Not counted in ClinVar's aggregate classification.